The following is an entry in ClinVar:

ClinVar aggregate classification (germline): Conflicting classifications of pathogenicity. Review status: criteria provided, conflicting classifications (1 of 4 stars). 2 submissions from 2 submitters: Uncertain significance (1); Likely benign (1). Last evaluated 2026-01-22.

Conditions:
SH2B1-related disorder. Also called: SH2B1-related condition.

Allele frequency attached by ClinVar (database versions not stated): gnomAD 0.00007; gnomAD exomes 0.00009; 1000 Genomes Project 30x 0.00016; 1000 Genomes Project 0.00020; ExAC 0.00055.

Submissions (2):

PreventionGenetics, part of Exact Sciences
Classification: Likely benign for SH2B1-related condition. Last evaluated: 2026-01-22. Review status: criteria provided, single submitter. Criteria: ACMG Guidelines, 2015. Collection method: clinical testing. Allele origin: germline.
Comment: This variant is classified as likely benign based on ACMG/AMP sequence variant interpretation guidelines (Richards et al. 2015 PMID: 25741868, with internal and published modifications).

Ambry Genetics
Classification: Uncertain significance. Last evaluated: 2025-09-30. Review status: criteria provided, single submitter. Criteria: Ambry Variant Classification Scheme 2023. Collection method: clinical testing. Allele origin: germline.

NM_001387430.1(SH2B1):c.80G>A (p.Arg27Gln)

Gene: SH2B1 (SH2B adaptor protein 1; plus strand). Cytogenetic location: 16p11.2.
Variant type: single nucleotide variant.
Coding change: c.80G>A on transcript NM_001387430.1 (MANE Select); coding-DNA position 80, G replaced by A.
Protein change: p.Arg27Gln; replaces arginine 27 with glutamine.
Molecular consequence: missense variant. On other transcripts: intron variant (1).
Genome position (GRCh38, 1-based): chr16:28,866,174, G>A. VCF-style: chr16-28866174-G-A. GRCh37 (hg19) VCF-style: chr16-28877495-G-A.
Other names: c.80G>A, p.Arg27Gln (NM_001145795.2, NM_001145796.2, NM_001145797.2 and 4 more transcripts); c.-26-1200G>A (NM_001308294.2); short protein forms R27Q.
Identifiers: ClinVar variation 2463556 (VCV002463556.6), dbSNP rs559282918, ClinGen allele CA7985841.